The following is an entry in ClinVar:

ClinVar aggregate classification (germline): Pathogenic/Likely pathogenic. Review status: criteria provided, multiple submitters, no conflicts (2 of 4 stars). 4 submissions from 4 submitters: Pathogenic (2); Likely pathogenic (1). 1 of the submissions does not count toward it. Last evaluated 2025-04-24.

Conditions:
Desbuquois dysplasia 1 (DBQD1). Also called: DESBUQUOIS DYSPLASIA 1, KIM VARIANT; MICROMELIC DWARFISM WITH VERTEBRAL AND METAPHYSEAL ABNORMALITIES AND ADVANCED CARPOTARSAL OSSIFICATION. Identifiers: Orphanet 1425, MedGen C4012146, MONDO:0009629, OMIM 251450.

Allele frequency attached by ClinVar (database versions not stated): gnomAD exomes below 0.00001; ExAC 0.00002; TOPMed 0.00002.
gnomAD v4.1: 6 of 1,613,414 alleles (0.00037%); highest among the groups gnomAD compares: African/African-American, 0.0027%; no homozygotes.

Submissions (4):

Women's Health and Genetics/Laboratory Corporation of America, LabCorp
Classification: Pathogenic for Desbuquois dysplasia 1. Last evaluated: 2025-04-24. Review status: criteria provided, single submitter. Criteria: LabCorp Variant Classification Summary - May 2015. Collection method: clinical testing. Allele origin: germline.
Comment: Variant summary: CANT1 c.643G>A (p.Glu215Lys) results in a conservative amino acid change in the encoded protein sequence. Four of five in-silico tools predict a damaging effect of the variant on protein function. The variant allele was found at a frequency of 4e-06 in 250148 control chromosomes. c.643G>A has been observed in multiple individuals affected with Desbuquois dysplasia 1 (Byrne_2020, Gabriel_2022). These data indicate that the variant is very likely to be associated with disease. At least one publication reports experimental evidence evaluating an impact on protein function. The most pronounced variant effect results in <10% of normal activity (Byrne_2020). The following publications have been ascertained in the context of this evaluation (PMID: 31988067, 34958143). ClinVar contains an entry for this variant (Variation ID: 808323). Based on the evidence outlined above, the variant was classified as pathogenic.

3billion
Classification: Pathogenic for Desbuquois dysplasia 1. Last evaluated: 2021-10-02. Review status: criteria provided, single submitter. Criteria: ACMG Guidelines, 2015. Collection method: clinical testing. Allele origin: maternal. Affected: yes. Observed: 1 heterozygote.
Comment: Same nucleotide change resulting in same amino acid change has been previously reported as pathogenic/likely pathogeic with strong evidence (ClinVar ID: VCV000808323.7, PMID: 31988067, PS1) and CANT1 enzyme activity study showed defective neuclotidase acitivity (PMID: 31988067, PS3). It is observed at an extremely low frequency in the gnomAD v2.1.1 dataset (total allele frequency: 0.000004, PM2). Missense changes are a common disease-causing mechanism (PP2). In silico tool predictions suggest damaging effect of the variant on gene or gene product (REVEL: 0.907, 3Cnet: 0.742, PP3). Patient's phenotype is considered compatible with Desbuquois dysplasia 1 (3billion dataset, PP4). Therefore, this variant is classified as pathogenic according to the recommendation of ACMG/AMP guideline

CeGaT Center for Human Genetics Tuebingen
Classification: Likely pathogenic. Last evaluated: 2019-01-01. Review status: criteria provided, single submitter. Criteria: CeGaT Center For Human Genetics Tuebingen Variant Classification Criteria Version 2. Collection method: clinical testing. Allele origin: germline. Affected: yes. Observed: 2 variant alleles.

OMIM
Classification: Pathogenic for DESBUQUOIS DYSPLASIA 1. Last evaluated: 2020-10-19. Review status: no assertion criteria provided. Collection method: literature only. Allele origin: germline. Not counted in ClinVar's aggregate classification.

Literature cited by the submitters: PubMed 34958143 (cited by Women's Health and Genetics/Laboratory Corporation of America, LabCorp); PubMed 31988067 (cited by 3 submitters); PubMed 34270679 (cited by 3billion).

NM_001159773.2(CANT1):c.643G>A (p.Glu215Lys)

Gene: CANT1 (calcium activated nucleotidase 1; minus strand). Cytogenetic location: 17q25.3.
Variant type: single nucleotide variant.
Coding change: c.643G>A on transcript NM_001159773.2 (MANE Select); coding-DNA position 643, G replaced by A.
Protein change: p.Glu215Lys; replaces glutamic acid 215 with lysine.
Molecular consequence: missense variant.
Genome position (GRCh38, 1-based): chr17:78,995,210, C>T on the plus strand (G>A on the coding strand, the complement: CANT1 is on the minus strand). VCF-style: chr17-78995210-C-T. GRCh37 (hg19) VCF-style: chr17-76991292-C-T.
Other names: c.643G>A, p.Glu215Lys (NM_001159772.2, NM_138793.4); short protein forms E215K.
Identifiers: ClinVar variation 808323 (VCV000808323.46), dbSNP rs773215035, ClinGen allele CA8808644.